The following is an entry in ClinVar:

NM_001374353.1(GLI2):c.667G>A (p.Val223Met)

Gene: GLI2 (GLI family zinc finger 2; plus strand). Cytogenetic location: 2q14.2.
Variant type: single nucleotide variant.
Coding change: c.667G>A on transcript NM_001374353.1 (MANE Select); coding-DNA position 667, G replaced by A.
Protein change: p.Val223Met; replaces valine 223 with methionine.
Molecular consequence: missense variant.
Genome position (GRCh38, 1-based): chr2:120,968,737, G>A. VCF-style: chr2-120968737-G-A. GRCh37 (hg19) VCF-style: chr2-121726313-G-A.
Other names: c.667G>A, p.Val223Met (NM_001371271.1, NM_005270.5); c.292G>A, p.Val98Met (NM_001374354.1); short protein forms V223M, V98M.
Identifiers: ClinVar variation 1207990 (VCV001207990.3), dbSNP rs1293201291, ClinGen allele CA348165539.
Genomic context (GRCh38, chr2:120,968,737, plus strand): 5'-AGTGATGCTGACCTGTCTTGTGTTGACTATCCCACAGTGTCCCGTTTCTCCAGCCCGCGG[G>A]TGACGCCCCGCCTGAGCCGCAAGCGGGCGCTGTCCATCTCCCCACTCTCAGACGCCAGCC-3'
Protein context (NP_001361282.1, residues 213-233): VDVSRFSSPR[Val223Met]TPRLSRKRAL

ClinVar aggregate classification (germline): Uncertain significance (1 of 4 stars; one submission).

Allele frequency attached by ClinVar (database versions not stated): gnomAD exomes below 0.00001; gnomAD 0.00004.
gnomAD v4.1: 10 of 1,613,514 alleles (0.00062%); highest among the groups gnomAD compares: African/African-American, 0.013%; no homozygotes.

Submission:

GeneDx
Classification: Uncertain significance. Last evaluated: 2021-03-15. Review status: criteria provided, single submitter. Criteria: GeneDx Variant Classification Process June 2021. Collection method: clinical testing. Allele origin: germline. Affected: yes.
Comment: In silico analysis supports that this missense variant does not alter protein structure/function; Has not been previously published as pathogenic or benign to our knowledge